The following is an entry in ClinVar:

ClinVar aggregate classification (germline): Pathogenic/Likely pathogenic. Review status: criteria provided, multiple submitters, no conflicts (2 of 4 stars). 2 submissions from 2 submitters: Pathogenic (1); Likely pathogenic (1). Last evaluated 2025-08-15.

Conditions:
Hypophosphatasia. Also called: Phosphoethanol-aminuria. Identifiers: Orphanet 436, MedGen C0020630, MeSH D007014, MONDO:0018570.

Submissions (2):

Labcorp Genetics (formerly Invitae), Labcorp
Classification: Pathogenic. Last evaluated: 2025-08-15. Review status: criteria provided, single submitter. Criteria: Invitae Variant Classification Sherloc (09022015). Collection method: clinical testing. Allele origin: germline.
Comment: This sequence change creates a premature translational stop signal (p.Tyr101Valfs*9) in the ALPL gene. It is expected to result in an absent or disrupted protein product. Loss-of-function variants in ALPL are known to be pathogenic (PMID: 3174660, 10679946, 32973344, 33814268). This variant is not present in population databases (gnomAD no frequency). This variant has not been reported in the literature in individuals affected with ALPL-related conditions. ClinVar contains an entry for this variant (Variation ID: 2762389). For these reasons, this variant has been classified as Pathogenic.

Natera, Inc.
Classification: Likely pathogenic for Hypophosphatasia. Last evaluated: 2025-03-25. Review status: criteria provided, single submitter. Criteria: Natera Variant Classification Schema (03/2026). Collection method: clinical testing. Allele origin: germline.
Comment: The c.299_300insT variant in ALPL is a frameshift variant predicted to shift the reading frame beginning at codon 101 and leads to a stop codon 9 codons downstream. This variant is expected to result in nonsense mediated decay, truncation, or a dysfunctional protein product. This variant is rare in the general population with a frequency below the threshold expected for the associated phenotype(s). Given the available evidence, this variant is classified as Likely Pathogenic.

Literature cited by the submitters: PubMed 3174660 (cited by Labcorp Genetics (formerly Invitae), Labcorp); PubMed 10679946 (cited by Labcorp Genetics (formerly Invitae), Labcorp); PubMed 32973344 (cited by Labcorp Genetics (formerly Invitae), Labcorp); PubMed 33814268 (cited by Labcorp Genetics (formerly Invitae), Labcorp).

NM_000478.6(ALPL):c.299_300insT (p.Tyr101fs)

Gene: ALPL (alkaline phosphatase, biomineralization associated; plus strand). Cytogenetic location: 1p36.12.
Variant type: Insertion.
Coding change: c.299_300insT on transcript NM_000478.6 (MANE Select); coding-DNA positions 299 to 300, T inserted.
Protein change: p.Tyr101fs; shifts the reading frame from tyrosine 101.
Molecular consequence: frameshift variant.
Genome position: GRCh38 VCF-style: chr1-21563111-C-CT. GRCh37 (hg19) VCF-style: chr1-21889604-C-CT.
Other names: c.299_300insT (NM_000478.5); c.134_135insT, p.Tyr46fs (NM_001127501.4); c.68_69insT, p.Tyr24fs (NM_001177520.3); c.299_300insT, p.Tyr101fs (NM_001369803.2, NM_001369804.2, NM_001369805.2); short protein forms Y101fs, Y46fs, Y24fs.
Identifiers: ClinVar variation 2762389 (VCV002762389.4), dbSNP rs2545298399, ClinGen allele CA2697552238.
Genomic context (GRCh38, chr1:21,563,111, plus strand): 5'-GGTGGGTGCCACTGGGGCGAAGGCCTGGCCATCTCCTGACCCTCCTCTCCCACCTGCAGA[C>CT]GTACAACACCAATGCCCAGGTCCCTGACAGTGCCGGCACCGCCACCGCCTACCTGTGTGG-3'